The following is an entry in ClinVar:

NM_003072.5(SMARCA4):c.4378A>G (p.Lys1460Glu)

Gene: SMARCA4 (SWI/SNF related BAF chromatin remodeling complex subunit ATPase 4; plus strand). Cytogenetic location: 19p13.2.
Variant type: single nucleotide variant.
Coding change: c.4378A>G on transcript NM_003072.5 (MANE Select); coding-DNA position 4378, A replaced by G.
Protein change: p.Lys1460Glu; replaces lysine 1460 with glutamic acid.
Molecular consequence: missense variant. On other transcripts: non-coding transcript variant (1).
Genome position (GRCh38, 1-based): chr19:11,041,514, A>G. VCF-style: chr19-11041514-A-G. GRCh37 (hg19) VCF-style: chr19-11152190-A-G.
Other names: c.4378A>G, p.Lys1460Glu (NM_001128844.3); c.4288A>G, p.Lys1430Glu (NM_001128845.2, NM_001128846.2); c.4279A>G, p.Lys1427Glu (NM_001128847.4, NM_001128848.2, NM_001374457.1); c.4474A>G, p.Lys1492Glu (NM_001128849.3, NM_001387283.1); c.4375A>G, p.Lys1459Glu (NM_001411150.1); short protein forms K1427E, K1430E, K1459E, K1460E, K1492E.
Identifiers: ClinVar variation 1719846 (VCV001719846.5), dbSNP rs2146821948, ClinGen allele CA404074051.

ClinVar aggregate classification (germline): Uncertain significance (1 of 4 stars; one submission).

Conditions:
Rhabdoid tumor predisposition syndrome 2 (RTPS2). Identifiers: Orphanet 231108, Orphanet 69077, MedGen C2750074, MONDO:0013224, OMIM 613325.

Submission:

Labcorp Genetics (formerly Invitae), Labcorp
Classification: Uncertain significance for Rhabdoid tumor predisposition syndrome 2. Last evaluated: 2022-09-20. Review status: criteria provided, single submitter. Criteria: Invitae Variant Classification Sherloc (09022015). Collection method: clinical testing. Allele origin: germline.
Comment: This sequence change replaces lysine, which is basic and polar, with glutamic acid, which is acidic and polar, at codon 1492 of the SMARCA4 protein (p.Lys1492Glu). This variant is not present in population databases (gnomAD no frequency). Advanced modeling of protein sequence and biophysical properties (such as structural, functional, and spatial information, amino acid conservation, physicochemical variation, residue mobility, and thermodynamic stability) has been performed at Invitae for this missense variant, however the output from this modeling did not meet the statistical confidence thresholds required to predict the impact of this variant on SMARCA4 protein function. In summary, the available evidence is currently insufficient to determine the role of this variant in disease. Therefore, it has been classified as a Variant of Uncertain Significance. This variant has not been reported in the literature in individuals affected with SMARCA4-related conditions.